The following is an entry in ClinVar:

NM_000179.3(MSH6):c.245C>G (p.Pro82Arg)

Genes: MSH6 (mutS homolog 6; plus strand), LOC129933707 (ATAC-STARR-seq lymphoblastoid silent region 11468; plus strand). Cytogenetic location: 2p16.3.
Variant type: single nucleotide variant.
Coding change: c.245C>G on transcript NM_000179.3 (MANE Select); coding-DNA position 245, C replaced by G.
Protein change: p.Pro82Arg; replaces proline 82 with arginine.
Molecular consequence: missense variant. On other transcripts: 5 prime UTR variant (1), intron variant (1).
Genome position (GRCh38, 1-based): chr2:47,783,478, C>G. VCF-style: chr2-47783478-C-G. GRCh37 (hg19) VCF-style: chr2-48010617-C-G.
Other names: c.-492C>G (NM_001281493.2, NM_001406811.1); c.245C>G, p.Pro82Arg (NM_001406795.1, NM_001406796.1, NM_001406798.1 and 8 more transcripts); c.-84C>G (NM_001406799.1); c.-684C>G (NM_001406807.1); c.-339C>G (NM_001406812.1); c.-750C>G (NM_001406814.1); c.-295C>G (NM_001406816.1); c.237+8C>G (NM_001281492.2); short protein forms P82R.
Identifiers: ClinVar variation 1791607 (VCV001791607.2), dbSNP rs1190756871, ClinGen allele CA346735125.

ClinVar aggregate classification (germline): Uncertain significance (1 of 4 stars; one submission).

Conditions:
Hereditary cancer-predisposing syndrome. Also called: Hereditary Cancer Syndrome; Hereditary neoplastic syndrome; Tumor predisposition; Neoplastic Syndromes, Hereditary. Identifiers: Orphanet 140162, MedGen C0027672, MeSH D009386, MONDO:0015356.

Submission:

Ambry Genetics
Classification: Uncertain significance for Hereditary cancer-predisposing syndrome. Last evaluated: 2021-04-29. Review status: criteria provided, single submitter. Criteria: Ambry Variant Classification Scheme 2023. Collection method: clinical testing. Allele origin: germline.
Comment: The p.P82R variant (also known as c.245C>G), located in coding exon 1 of the MSH6 gene, results from a C to G substitution at nucleotide position 245. The proline at codon 82 is replaced by arginine, an amino acid with dissimilar properties. This amino acid position is well conserved in available vertebrate species. In addition, this alteration is predicted to be tolerated by in silico analysis. Since supporting evidence is limited at this time, the clinical significance of this alteration remains unclear.